The following is an entry in ClinVar:

ClinVar aggregate classification (germline): Uncertain significance (1 of 4 stars; one submission).

Submission:

ARUP Laboratories, Molecular Genetics and Genomics, ARUP Laboratories
Classification: Uncertain significance. Last evaluated: 2019-02-26. Review status: criteria provided, single submitter. Criteria: ARUP Molecular Germline Variant Investigation Process. Collection method: clinical testing. Allele origin: germline.
Comment: The G6PD c.815C>T; p.Ala272Val variant, to our knowledge, is not reported in the medical literature or gene-specific databases. This variant is also absent from general population databases (Exome Variant Server, Genome Aggregation Database), indicating it is not a common polymorphism. The alanine at codon 272 is highly conserved, and computational analyses (SIFT, PolyPhen-2) predict that this variant is deleterious. However, due to limited information, the clinical significance of the p.Ala272Val variant is uncertain at this time.

NM_001360016.2(G6PD):c.815C>T (p.Ala272Val)

Gene: G6PD (glucose-6-phosphate dehydrogenase; minus strand). Cytogenetic location: Xq28.
Variant type: single nucleotide variant.
Coding change: c.815C>T on transcript NM_001360016.2 (MANE Select); coding-DNA position 815, C replaced by T.
Protein change: p.Ala272Val; replaces alanine 272 with valine.
Molecular consequence: missense variant.
Genome position (GRCh38, 1-based): chrX:154,533,625, G>A on the plus strand (C>T on the coding strand, the complement: G6PD is on the minus strand). VCF-style: chrX-154533625-G-A. GRCh37 (hg19) VCF-style: chrX-153761840-G-A.
Other names: c.905C>T, p.Ala302Val (NM_000402.4); c.815C>T, p.Ala272Val (NM_001042351.3); short protein forms A272V, A302V.
Identifiers: ClinVar variation 811929 (VCV000811929.8), dbSNP rs1603411458, ClinGen allele CA415235251.